The following is an entry in ClinVar:

NM_000020.3(ACVRL1):c.514A>T (p.Ser172Cys)

Gene: ACVRL1 (activin A receptor like type 1; plus strand). Cytogenetic location: 12q13.13.
Variant type: single nucleotide variant.
Coding change: c.514A>T on transcript NM_000020.3 (MANE Select); coding-DNA position 514, A replaced by T.
Protein change: p.Ser172Cys; replaces serine 172 with cysteine.
Molecular consequence: missense variant. On other transcripts: intron variant (6).
Genome position (GRCh38, 1-based): chr12:51,913,759, A>T. VCF-style: chr12-51913759-A-T. GRCh37 (hg19) VCF-style: chr12-52307543-A-T.
Other names: c.514A>T, p.Ser172Cys (NM_001406489.1, NM_001077401.2, NM_001406487.1 and 1 more transcripts); c.313+409A>T (NM_001406491.1, NM_001406490.1, NM_001406492.1 and 2 more transcripts); c.62-680A>T (NM_001406495.1); short protein forms S172C.
Identifiers: ClinVar variation 5032713 (VCV005032713.1).

ClinVar aggregate classification (germline): Uncertain significance (1 of 4 stars; one submission).

Conditions:
Cardiovascular phenotype. Identifiers: MedGen CN230736.

Submission:

Ambry Genetics
Classification: Uncertain significance for Cardiovascular phenotype. Last evaluated: 2026-07-21. Review status: criteria provided, single submitter. Criteria: Ambry Variant Classification Scheme 2023. Collection method: clinical testing. Allele origin: germline.
Comment: The p.S172C variant (also known as c.514A>T), located in coding exon 3 of the ACVRL1 gene, results from an A to T substitution at nucleotide position 514. The serine at codon 172 is replaced by cysteine, an amino acid with dissimilar properties. This amino acid position is conserved. In addition, the in silico prediction for this alteration is inconclusive. Based on the available evidence, the clinical significance of this variant remains unclear.